The following is an entry in ClinVar:

ClinVar aggregate classification (germline): Likely benign. Review status: reviewed by expert panel (3 of 4 stars). 3 submissions from 3 submitters: Likely benign (1). 2 of the submissions do not count toward it. Last evaluated 2025-05-02.

Conditions:
Inborn genetic diseases. Identifiers: MedGen C0950123, MeSH D030342.
Hereditary thrombocytopenia and hematological cancer predisposition syndrome associated with RUNX1. Also called: PLATELET DISORDER, ASPIRIN-LIKE; Familial Platelet Disorder with Propensity to Acute Myelogenous Leukemia; Familial thrombocytopenia with propensity to acute myelogenous leukemia; RUNX1 Familial Platelet Disorder with Associated Myeloid Malignancies. Identifiers: Orphanet 71290, MedGen C1832388, MeSH C563324, MONDO:0100083, OMIM 601399.
Hereditary thrombocytopenia and hematologic cancer predisposition syndrome. Identifiers: Orphanet 71290, MedGen CN281654, MONDO:0011071.

Allele frequency attached by ClinVar (database versions not stated): gnomAD exomes 0.00001.
gnomAD v4.1: 3 of 1,542,504 alleles (0.00019%); highest among the groups gnomAD compares: Non-Finnish European, 0.00026%; no homozygotes.

Submissions (3):

ClinGen Myeloid Malignancy Variant Curation Expert Panel
Classification: Likely benign for Hereditary thrombocytopenia and hematologic cancer predisposition syndrome. Last evaluated: 2025-05-02. Review status: reviewed by expert panel. Criteria: ClinGen MyeloMalig ACMG Specifications v2. Collection method: curation. Allele origin: germline. Inheritance: Autosomal dominant inheritance.
Comment: NM_001754.5(RUNX1):c.1285C>T (p.Leu429=) is a synonymous variant which has a SpliceAI score ≤ 0.20 (0.00) (BP4) and is predicted by evolutionary conservation algorithms to occur at a site that is not conserved (PhyloP score ≤ 2.0 (1.99)) (BP7). In summary, this variant meets criteria to be classified as likely benign. ACMG/AMP criteria applied, as specified by the Myeloid Malignancy Variant Curation Expert Panel for RUNX1: BP4, BP7.

Labcorp Genetics (formerly Invitae), Labcorp
Classification: Likely benign for Hereditary thrombocytopenia and hematological cancer predisposition syndrome associated with RUNX1. Last evaluated: 2025-04-20. Review status: criteria provided, single submitter. Criteria: Invitae Variant Classification Sherloc (09022015). Collection method: clinical testing. Allele origin: germline. Not counted in ClinVar's aggregate classification.

Ambry Genetics
Classification: Likely benign for Inborn genetic diseases. Last evaluated: 2024-12-10. Review status: criteria provided, single submitter. Criteria: Ambry Variant Classification Scheme 2023. Collection method: clinical testing. Allele origin: germline. Not counted in ClinVar's aggregate classification.

NM_001754.5(RUNX1):c.1285C>T (p.Leu429=)

Gene: RUNX1 (RUNX family transcription factor 1; minus strand). Cytogenetic location: 21q22.12.
Variant type: single nucleotide variant.
Coding change: c.1285C>T on transcript NM_001754.5 (MANE Select); coding-DNA position 1285, C replaced by T.
Protein change: p.Leu429=; no amino-acid change (leucine 429 retained).
Molecular consequence: synonymous variant.
Genome position (GRCh38, 1-based): chr21:34,792,293, G>A on the plus strand (C>T on the coding strand, the complement: RUNX1 is on the minus strand). VCF-style: chr21-34792293-G-A. GRCh37 (hg19) VCF-style: chr21-36164590-G-A.
Other names: NM_001754.5(RUNX1):c.1285C>T; p.Leu429=; c.1204C>T, p.Leu402= (NM_001001890.3).
Identifiers: ClinVar variation 760913 (VCV000760913.12), dbSNP rs1482583619, ClinGen allele CA512341119.